The following is an entry in ClinVar:

NM_003140.3(SRY):c.263C>G (p.Ser88Ter)

Gene: SRY (sex determining region Y; minus strand). Cytogenetic location: Yp11.2.
Variant type: single nucleotide variant.
Coding change: c.263C>G on transcript NM_003140.3 (MANE Select); coding-DNA position 263, C replaced by G.
Protein change: p.Ser88Ter; replaces serine 88 with a stop codon.
Molecular consequence: nonsense.
Genome position (GRCh38, 1-based): chrY:2,787,341, G>C on the plus strand (C>G on the coding strand, the complement: SRY is on the minus strand). VCF-style: chrY-2787341-G-C. GRCh37 (hg19) VCF-style: chrY-2655382-G-C.
Other names: short protein forms S88*.
Identifiers: ClinVar variation 2431744 (VCV002431744.1), dbSNP rs1556370558, ClinGen allele CA414941424.

ClinVar aggregate classification (germline): Likely pathogenic (1 of 4 stars; one submission).

Conditions:
46,XY sex reversal 1. Also called: SRY-related 46,XY complete gonadal dysgenesis; 46,XY SEX REVERSAL, SRY-RELATED. Identifiers: Orphanet 242, MedGen C2748896, MONDO:0020712, OMIM 400044.

Submission:

Laboratorio de Genetica e Diagnostico Molecular, Hospital Israelita Albert Einstein
Classification: Likely pathogenic for 46,XY sex reversal 1. Last evaluated: 2022-08-31. Review status: criteria provided, single submitter. Criteria: ACMG Guidelines, 2015. Collection method: clinical testing. Allele origin: germline. Affected: yes. Observed: 1 variant allele.
Comment: ACMG classification criteria: PVS1 strong, PM2 moderated